The following is an entry in ClinVar:

ClinVar aggregate classification (germline): Uncertain significance (1 of 4 stars; one submission).

Submission:

Labcorp Genetics (formerly Invitae), Labcorp
Classification: Uncertain significance. Last evaluated: 2025-09-02. Review status: criteria provided, single submitter. Criteria: Invitae Variant Classification Sherloc (09022015). Collection method: clinical testing. Allele origin: germline.
Comment: This sequence change replaces serine, which is neutral and polar, with leucine, which is neutral and non-polar, at codon 115 of the REPS1 protein (p.Ser115Leu). This variant is not present in population databases (gnomAD no frequency). This variant has not been reported in the literature in individuals affected with REPS1-related conditions. ClinVar contains an entry for this variant (Variation ID: 2771779). Invitae Evidence Modeling of protein sequence and biophysical properties (such as structural, functional, and spatial information, amino acid conservation, physicochemical variation, residue mobility, and thermodynamic stability) indicates that this missense variant is not expected to disrupt REPS1 protein function with a negative predictive value of 80%. In summary, the available evidence is currently insufficient to determine the role of this variant in disease. Therefore, it has been classified as a Variant of Uncertain Significance.

NM_001286611.2(REPS1):c.344C>T (p.Ser115Leu)

Gene: REPS1 (RALBP1 associated Eps domain containing 1; minus strand). Cytogenetic location: 6q24.1.
Variant type: single nucleotide variant.
Coding change: c.344C>T on transcript NM_001286611.2 (MANE Select); coding-DNA position 344, C replaced by T.
Protein change: p.Ser115Leu; replaces serine 115 with leucine.
Molecular consequence: missense variant.
Genome position (GRCh38, 1-based): chr6:138,945,631, G>A on the plus strand (C>T on the coding strand, the complement: REPS1 is on the minus strand). VCF-style: chr6-138945631-G-A. GRCh37 (hg19) VCF-style: chr6-139266768-G-A.
Other names: c.344C>T, p.Ser115Leu (NM_001128617.3, NM_001286612.2, NM_031922.5); short protein forms S115L.
Identifiers: ClinVar variation 2771779 (VCV002771779.3), dbSNP rs2483028684, ClinGen allele CA365815320.